The following is an entry in ClinVar:

NM_001330288.2(SMARCC2):c.2426G>A (p.Gly809Glu)

Gene: SMARCC2 (SWI/SNF related BAF chromatin remodeling complex subunit C2; minus strand). Cytogenetic location: 12q13.2.
Variant type: single nucleotide variant.
Coding change: c.2426G>A on transcript NM_001330288.2 (MANE Select); coding-DNA position 2426, G replaced by A.
Protein change: p.Gly809Glu; replaces glycine 809 with glutamic acid.
Molecular consequence: missense variant.
Genome position (GRCh38, 1-based): chr12:56,169,898, C>T on the plus strand (G>A on the coding strand, the complement: SMARCC2 is on the minus strand). VCF-style: chr12-56169898-C-T. GRCh37 (hg19) VCF-style: chr12-56563682-C-T.
Other names: c.2426G>A, p.Gly809Glu (NM_001130420.3, NM_139067.4); c.2333G>A, p.Gly778Glu (NM_003075.5); short protein forms G778E, G809E.
Identifiers: ClinVar variation 3348110 (VCV003348110.1).

ClinVar aggregate classification (germline): Uncertain significance (0 of 4 stars; one submission).

Conditions:
SMARCC2-related disorder. Also called: SMARCC2-related condition.

Submission:

PreventionGenetics, part of Exact Sciences
Classification: Uncertain significance for SMARCC2-related condition. Last evaluated: 2024-03-07. Review status: no assertion criteria provided. Collection method: clinical testing. Allele origin: germline.
Comment: The SMARCC2 c.2333G>A variant is predicted to result in the amino acid substitution p.Gly778Glu. To our knowledge, this variant has not been reported in the literature or in a large population database, indicating this variant is rare. At this time, the clinical significance of this variant is uncertain due to the absence of conclusive functional and genetic evidence.